The following is an entry in ClinVar:

NM_001174150.2(ARL13B):c.238G>A (p.Gly80Arg)

Gene: ARL13B (ARF like GTPase 13B; plus strand). Cytogenetic location: 3q11.2.
Variant type: single nucleotide variant.
Coding change: c.238G>A on transcript NM_001174150.2 (MANE Select); coding-DNA position 238, G replaced by A.
Protein change: p.Gly80Arg; replaces glycine 80 with arginine.
Molecular consequence: missense variant. On other transcripts: 5 prime UTR variant (1), intron variant (1).
Genome position (GRCh38, 1-based): chr3:94,003,766, G>A. VCF-style: chr3-94003766-G-A. GRCh37 (hg19) VCF-style: chr3-93722610-G-A.
Other names: c.-72G>A (NM_001174151.2); c.193G>A, p.Gly65Arg (NM_001321328.2); c.238G>A, p.Gly80Arg (NM_001410782.1, NM_182896.3); c.59+23284G>A (NM_144996.4); short protein forms G65R, G80R.
Identifiers: ClinVar variation 1897613 (VCV001897613.5), dbSNP rs2076090280, ClinGen allele CA353675532.

ClinVar aggregate classification (germline): Uncertain significance (1 of 4 stars; one submission).

Conditions:
Joubert syndrome 8 (JBTS8). Identifiers: Orphanet 475, MedGen C2676771, MONDO:0012855, OMIM 612291.

Allele frequency attached by ClinVar (database versions not stated): gnomAD exomes below 0.00001.

Submission:

Labcorp Genetics (formerly Invitae), Labcorp
Classification: Uncertain significance for Joubert syndrome 8. Last evaluated: 2022-02-18. Review status: criteria provided, single submitter. Criteria: Invitae Variant Classification Sherloc (09022015). Collection method: clinical testing. Allele origin: germline.
Comment: In summary, the available evidence is currently insufficient to determine the role of this variant in disease. Therefore, it has been classified as a Variant of Uncertain Significance. Algorithms developed to predict the effect of missense changes on protein structure and function are either unavailable or do not agree on the potential impact of this missense change (SIFT: "Tolerated"; PolyPhen-2: "Possibly Damaging"; Align-GVGD: "Class C0"). This variant has not been reported in the literature in individuals affected with ARL13B-related conditions. This variant is not present in population databases (gnomAD no frequency). This sequence change replaces glycine, which is neutral and non-polar, with arginine, which is basic and polar, at codon 80 of the ARL13B protein (p.Gly80Arg).